The following is an entry in ClinVar:

ClinVar aggregate classification (germline): Conflicting classifications of pathogenicity. Review status: criteria provided, conflicting classifications (1 of 4 stars). 6 submissions from 5 submitters: Uncertain significance (4); Likely benign (1). 1 of the submissions does not count toward it. Last evaluated 2025-11-22.

Conditions:
Immunodeficiency 25. Also called: Immunodeficiency due to defect in cd3-zeta, somatic. Identifiers: MedGen C1857798, MONDO:0012426, OMIM 610163.

Allele frequency attached by ClinVar (database versions not stated): TOPMed 0.00002; gnomAD 0.00003 and 0.00004; gnomAD exomes 0.00007 and 0.00010; ExAC 0.00008; ESP Exome Variant Server 0.00008.
gnomAD v4.1: 111 of 1,613,932 alleles (0.0069%); highest among the groups gnomAD compares: Middle Eastern, 0.56%; 1 homozygote.

Submissions (6):

Labcorp Genetics (formerly Invitae), Labcorp
Classification: Likely benign for Immunodeficiency 25. Last evaluated: 2025-11-22. Review status: criteria provided, single submitter. Criteria: Invitae Variant Classification Sherloc (09022015). Collection method: clinical testing. Allele origin: germline.

Blueprint Genetics
Classification: Uncertain significance. Last evaluated: 2024-09-25. Review status: criteria provided, single submitter. Criteria: ACMG Guidelines, 2015. Collection method: clinical testing. Allele origin: germline.

Fulgent Genetics
Classification: Uncertain significance for Immunodeficiency 25. Last evaluated: 2024-06-04. Review status: criteria provided, single submitter. Criteria: ACMG Guidelines, 2015. Collection method: clinical testing. Allele origin: germline.

Dubai Health Genomic Medicine Center, Dubai Health
Classification: Uncertain significance. Last evaluated: 2022-12-17. Review status: criteria provided, single submitter. Criteria: ACMG Guidelines, 2015. Collection method: clinical testing. Allele origin: germline. Affected: yes.

Genomic Medicine Center of Excellence, King Faisal Specialist Hospital and Research Centre
Classification: Uncertain significance. Last evaluated: 2016-09-28. Review status: criteria provided, single submitter. Criteria: ACMG Guidelines, 2015. Collection method: research. Allele origin: germline. Affected: yes.

Dubai Health Genomic Medicine Center, Dubai Health
Classification: Uncertain significance for Immunodeficiency 25. Last evaluated: 2020-10-06. Review status: flagged submission. Criteria: ACMG Guidelines, 2015. Collection method: clinical testing. Allele origin: germline. Affected: yes. Not counted in ClinVar's aggregate classification.
Comment: The c.58+8C>T intronic variant in CD247 has been previously reported in the homozygous state in one patient with combined immunodeficiency (PMID: 26915675). It was also identified in 10/30616 (0.033% 0 homozygotes) South Asian alleles in the Genome Aggregation Database (gnomAD). This variant is not expected to have clinical significance because it is not located within the splice consensus sequence and is not predicted to alter splicing. However more information is needed to a benign role for this variant.
ClinVar note: Reason: This record appears to be redundant with a more recent record from the same submitter.
ClinVar note: Notes: SCV001984694 appears to be redundant with SCV002774974.

NM_198053.3(CD247):c.58+8C>T

Gene: CD247 (CD247 molecule; minus strand). Cytogenetic location: 1q24.2.
Variant type: single nucleotide variant.
Coding change: c.58+8C>T on transcript NM_198053.3 (MANE Select); 8 bases into the intron after coding-DNA position 58, C replaced by T.
Molecular consequence: intron variant.
Genome position (GRCh38, 1-based): chr1:167,518,400, G>A on the plus strand (C>T on the coding strand, the complement: CD247 is on the minus strand). VCF-style: chr1-167518400-G-A. GRCh37 (hg19) VCF-style: chr1-167487637-G-A.
Other names: c.58+8C>T (NM_000734.4, NM_001378516.1, NM_001378515.1).
Identifiers: ClinVar variation 190989 (VCV000190989.14), dbSNP rs201494226, ClinGen allele CA235765.